The following is an entry in ClinVar:

NM_152268.4(PARS2):c.823C>T (p.Arg275Cys)

Gene: PARS2 (prolyl-tRNA synthetase 2, mitochondrial; minus strand). Cytogenetic location: 1p32.3.
Variant type: single nucleotide variant.
Coding change: c.823C>T on transcript NM_152268.4 (MANE Select); coding-DNA position 823, C replaced by T.
Protein change: p.Arg275Cys; replaces arginine 275 with cysteine.
Molecular consequence: missense variant.
Genome position (GRCh38, 1-based): chr1:54,758,339, G>A on the plus strand (C>T on the coding strand, the complement: PARS2 is on the minus strand). VCF-style: chr1-54758339-G-A. GRCh37 (hg19) VCF-style: chr1-55224012-G-A.
Other names: c.823C>T (NM_152268.3); short protein forms R275C.
Identifiers: ClinVar variation 1421663 (VCV001421663.7), dbSNP rs184440052, ClinGen allele CA869405.

ClinVar aggregate classification (germline): Uncertain significance. Review status: criteria provided, multiple submitters, no conflicts (2 of 4 stars). 2 submissions from 2 submitters: Uncertain significance (2). Last evaluated 2024-10-20.

Conditions:
Inborn genetic diseases. Identifiers: MedGen C0950123, MeSH D030342.

Allele frequency attached by ClinVar (database versions not stated): ExAC 0.00002; gnomAD exomes 0.00003 and 0.00004; gnomAD 0.00006; TOPMed 0.00007; 1000 Genomes Project 30x 0.00016; 1000 Genomes Project 0.00020.
gnomAD v4.1: 58 of 1,614,168 alleles (0.0036%); highest among the groups gnomAD compares: Admixed American, 0.025%; 1 homozygote.

Submissions (2):

Ambry Genetics
Classification: Uncertain significance for Inborn genetic diseases. Last evaluated: 2024-10-20. Review status: criteria provided, single submitter. Criteria: Ambry Variant Classification Scheme 2023. Collection method: clinical testing. Allele origin: germline.

Labcorp Genetics (formerly Invitae), Labcorp
Classification: Uncertain significance. Last evaluated: 2022-08-08. Review status: criteria provided, single submitter. Criteria: Invitae Variant Classification Sherloc (09022015). Collection method: clinical testing. Allele origin: germline.
Comment: In summary, the available evidence is currently insufficient to determine the role of this variant in disease. Therefore, it has been classified as a Variant of Uncertain Significance. Algorithms developed to predict the effect of missense changes on protein structure and function (SIFT, PolyPhen-2, Align-GVGD) all suggest that this variant is likely to be tolerated. ClinVar contains an entry for this variant (Variation ID: 1421663). This variant has not been reported in the literature in individuals affected with PARS2-related conditions. This variant is present in population databases (rs184440052, gnomAD 0.02%). This sequence change replaces arginine, which is basic and polar, with cysteine, which is neutral and slightly polar, at codon 275 of the PARS2 protein (p.Arg275Cys).